The following is an entry in ClinVar:

ClinVar aggregate classification (germline): Uncertain significance (1 of 4 stars; one submission).

Conditions:
Long QT syndrome (LQTS). Identifiers: MedGen C0023976, MeSH D008133, MONDO:0002442. Disease mechanism: loss of function. Inheritance: Various modes of inheritance.

Allele frequency attached by ClinVar (database versions not stated): TOPMed below 0.00001; gnomAD 0.00001.
gnomAD v4.1: 3 of 1,353,098 alleles (0.00022%); highest among the groups gnomAD compares: Non-Finnish European, 0.00028%; no homozygotes.

Submission:

Labcorp Genetics (formerly Invitae), Labcorp
Classification: Uncertain significance for Long QT syndrome. Last evaluated: 2019-09-04. Review status: criteria provided, single submitter. Criteria: Invitae Variant Classification Sherloc (09022015). Collection method: clinical testing. Allele origin: germline.
Comment: This sequence change replaces alanine with aspartic acid at codon 268 of the KCNH2 protein (p.Ala268Asp). The alanine residue is weakly conserved and there is a moderate physicochemical difference between alanine and aspartic acid. The frequency data for this variant in the population databases is considered unreliable, as metrics indicate insufficient coverage at this position in the ExAC database. This variant has not been reported in the literature in individuals with KCNH2-related conditions. Algorithms developed to predict the effect of missense changes on protein structure and function are either unavailable or do not agree on the potential impact of this missense change (SIFT: "Deleterious"; PolyPhen-2: "Benign"; Align-GVGD: "Class C0"). In summary, the available evidence is currently insufficient to determine the role of this variant in disease. Therefore, it has been classified as a Variant of Uncertain Significance.

NM_000238.4(KCNH2):c.803C>A (p.Ala268Asp)

Gene: KCNH2 (potassium voltage-gated channel subfamily H member 2; minus strand). Cytogenetic location: 7q36.1.
Variant type: single nucleotide variant.
Coding change: c.803C>A on transcript NM_000238.4 (MANE Select); coding-DNA position 803, C replaced by A.
Protein change: p.Ala268Asp; replaces alanine 268 with aspartic acid.
Molecular consequence: missense variant.
Genome position (GRCh38, 1-based): chr7:150,958,172, G>T on the plus strand (C>A on the coding strand, the complement: KCNH2 is on the minus strand). VCF-style: chr7-150958172-G-T. GRCh37 (hg19) VCF-style: chr7-150655260-G-T.
Other names: c.515C>A, p.Ala172Asp (NM_001406753.1, NM_001406756.1); c.626C>A, p.Ala209Asp (NM_001406755.1); c.503C>A, p.Ala168Asp (NM_001406757.1); c.803C>A, p.Ala268Asp (NM_172056.3); short protein forms A268D, A168D, A209D, A172D.
Identifiers: ClinVar variation 941477 (VCV000941477.3), dbSNP rs1241943196, ClinGen allele CA369862426.